The following is an entry in ClinVar:

NM_024642.5(GALNT12):c.847C>G (p.Leu283Val)

Gene: GALNT12 (polypeptide N-acetylgalactosaminyltransferase 12; plus strand). Cytogenetic location: 9q22.33.
Variant type: single nucleotide variant.
Coding change: c.847C>G on transcript NM_024642.5 (MANE Select); coding-DNA position 847, C replaced by G.
Protein change: p.Leu283Val; replaces leucine 283 with valine.
Molecular consequence: missense variant.
Genome position (GRCh38, 1-based): chr9:98,831,887, C>G. VCF-style: chr9-98831887-C-G. GRCh37 (hg19) VCF-style: chr9-101594169-C-G.
Other names: short protein forms L283V.
Identifiers: ClinVar variation 3098062 (VCV003098062.2), dbSNP rs1406290246, ClinGen allele CA374218149.

ClinVar aggregate classification (germline): Uncertain significance (1 of 4 stars; one submission).

Allele frequency attached by ClinVar (database versions not stated): gnomAD 0.00001.
gnomAD v4.1: 3 of 1,614,036 alleles (0.00019%); highest among the groups gnomAD compares: Non-Finnish European, 0.00025%; no homozygotes.

Submission:

Ambry Genetics
Classification: Uncertain significance. Last evaluated: 2024-04-26. Review status: criteria provided, single submitter. Criteria: Ambry Variant Classification Scheme 2023. Collection method: clinical testing. Allele origin: germline.
Comment: The p.L283V variant (also known as c.847C>G), located in coding exon 4 of the GALNT12 gene, results from a C to G substitution at nucleotide position 847. The leucine at codon 283 is replaced by valine, an amino acid with highly similar properties. This amino acid position is highly conserved in available vertebrate species. In addition, the in silico prediction for this alteration is inconclusive. The evidence for this gene-disease relationship is limited; therefore, the clinical significance of this alteration is unclear.